The following is an entry in ClinVar:

ClinVar aggregate classification (germline): Conflicting classifications of pathogenicity. Review status: criteria provided, conflicting classifications (1 of 4 stars). 2 submissions from 2 submitters: Likely pathogenic (1); Uncertain significance (1). Last evaluated 2026-08-14.

Conditions:
Spinocerebellar ataxia 47 (NEDMSF). Also called: PADDAS SYNDROME; neurodevelopmental disorder with motor abnormalities, seizures, and facial dysmorphism. Identifiers: Orphanet 642747, MedGen C4693672, MONDO:0033482, OMIM 620719.

gnomAD v4.1: 3 of 1,612,954 alleles (0.00019%); highest among the groups gnomAD compares: Non-Finnish European, 0.00025%; no homozygotes.

Submissions (2):

GeneDx
Classification: Likely pathogenic. Last evaluated: 2026-08-14. Review status: criteria provided, single submitter. Criteria: GeneDx Variant Classification Process June 2021. Collection method: clinical testing. Allele origin: germline.
Comment: Canonical splice site variant predicted to result in a null allele in a gene for which loss of function is a known mechanism of disease; Not observed at significant frequency in large population cohorts (gnomAD); Has not been previously published as pathogenic or benign to our knowledge

Victorian Clinical Genetics Services, Murdoch Childrens Research Institute
Classification: Uncertain significance. Last evaluated: 2024-10-10. Review status: criteria provided, single submitter. Criteria: ACMG Guidelines, 2015. Collection method: clinical testing. Allele origin: germline. Inheritance: Autosomal dominant inheritance. Affected: no.
Comment: Based on the classification scheme VCGS_Germline_v1.3.5, this variant is classified as VUS-3B. Following criteria are met: 0102 - Loss of function is a known mechanism of disease in this gene and is associated with spinocerebellar ataxia 47 (MIM#617931) and Neurodevelopmental disorder with motor abnormalities, seizures, and facial dysmorphism (MIM#620719). (I) 0107 - This gene is associated with autosomal dominant disease. (I) 0211 - Canonical splice site variant without proven consequence on splicing (no functional evidence available). (SP) 0251 - This variant is heterozygous. (I) 0302 - Variant is present in gnomAD (v4) <0.001 for a dominant condition 3 heterozygotes, 0 homozygotes). (SP) 0508 - In silico predictions for abnormal splicing are conflicting. (I) 0705 - No comparable splice donor variants have previous evidence for pathogenicity. (I) 0807 - This variant has no previous evidence of pathogenicity. (I) 0905 - No published segregation evidence has been identified for this variant. (I) 1007 - No published functional evidence has been identified for this variant. (I) 1208 - Inheritance information for this variant is not currently available in this individual. (I) Legend: (SP) - Supporting pathogenic, (I) - Information, (SB) - Supporting benign

NM_001020658.2(PUM1):c.3242+2T>C

Gene: PUM1 (pumilio RNA binding family member 1; minus strand). Cytogenetic location: 1p35.2.
Variant type: single nucleotide variant.
Coding change: c.3242+2T>C on transcript NM_001020658.2 (MANE Select); the canonical splice donor site of the intron after coding-DNA position 3242, T replaced by C.
Molecular consequence: splice donor variant.
Genome position (GRCh38, 1-based): chr1:30,941,149, A>G on the plus strand (T>C on the coding strand, the complement: PUM1 is on the minus strand). VCF-style: chr1-30941149-A-G. GRCh37 (hg19) VCF-style: chr1-31413996-A-G.
Other names: c.3236+2T>C (NM_014676.3).
Identifiers: ClinVar variation 3361507 (VCV003361507.3).